The following is an entry in ClinVar:

NM_002185.5(IL7R):c.355A>T (p.Lys119Ter)

Gene: IL7R (interleukin 7 receptor; plus strand). Cytogenetic location: 5p13.2.
Variant type: single nucleotide variant.
Coding change: c.355A>T on transcript NM_002185.5 (MANE Select); coding-DNA position 355, A replaced by T.
Protein change: p.Lys119Ter; replaces lysine 119 with a stop codon.
Molecular consequence: nonsense. On other transcripts: non-coding transcript variant (1).
Genome position (GRCh38, 1-based): chr5:35,867,439, A>T. VCF-style: chr5-35867439-A-T. GRCh37 (hg19) VCF-style: chr5-35867541-A-T.
Other names: NM_002185.5(IL7R):c.355A>T; p.Lys119Ter; short protein forms K119*.
Identifiers: ClinVar variation 642787 (VCV000642787.7), dbSNP rs1448018291, ClinGen allele CA359428593.

ClinVar aggregate classification (germline): Likely pathogenic. Review status: reviewed by expert panel (3 of 4 stars). 2 submissions from 2 submitters: Likely pathogenic (1). 1 of the submissions does not count toward it. Last evaluated 2024-01-30.

Conditions:
Immunodeficiency 104. Also called: SCID, AUTOSOMAL RECESSIVE, T CELL-NEGATIVE, B CELL-POSITIVE, NK CELL-POSITIVE; IMMUNODEFICIENCY 104, SEVERE COMBINED; Severe combined immunodeficiency, autosomal recessive, T cell-negative, B cell-positive, NK cell-positive; Severe Combined Immune Deficiency, Autosomal Recessive, TCell -Negative, B Cell-Positive, NK Cell-Positive, IL7R-Related. Identifiers: MedGen C5676890, MONDO:0012163, OMIM 608971.

Submissions (2):

ClinGen Severe Combined Immunodeficiency Variant Curation Expert Panel, ClinGen
Classification: Likely pathogenic for Immunodeficiency 104. Last evaluated: 2024-01-30. Review status: reviewed by expert panel. Criteria: ClinGen SCID ACMG Specifications IL7R V1.0.0. Collection method: curation. Allele origin: germline. Inheritance: Autosomal recessive inheritance.
Comment: c.355A>T (p.Lys119Ter)(NM_002185.5) variant in IL7R is a nonsense variant predicted to cause a premature stop codon in biologically-relevant-exon 3/8 leading to nonsense-mediated decay in a gene in which loss-of-function is an established disease mechanism (PVS1_Met).The variant is absent in gnomAD v4 (PM2_supporting). There are no publications for this variant in the literature. As per the SCID VCEP specifications and the Bayesian interpretation of the ACMG/AMP combining rules, 1 very strong and 1 supporting criteria results in a Likely Pathogenic classification. In summary, this variant meets the criteria to be classified as Likely Pathogenic variant for autosomal recessive severe combined immunodeficiency due to IL7R deficiency based on the ACMG/AMP criteria applied, as specified by the ClinGen SCID VCEP: PVS1_Met,PM2_supporting (VCEP specifications version 1).

Labcorp Genetics (formerly Invitae), Labcorp
Classification: Pathogenic for Immunodeficiency 104. Last evaluated: 2022-11-22. Review status: criteria provided, single submitter. Criteria: Invitae Variant Classification Sherloc (09022015). Collection method: clinical testing. Allele origin: germline. Not counted in ClinVar's aggregate classification.
Comment: For these reasons, this variant has been classified as Pathogenic. ClinVar contains an entry for this variant (Variation ID: 642787). This variant has not been reported in the literature in individuals affected with IL7R-related conditions. This variant is not present in population databases (gnomAD no frequency). This sequence change creates a premature translational stop signal (p.Lys119*) in the IL7R gene. It is expected to result in an absent or disrupted protein product. Loss-of-function variants in IL7R are known to be pathogenic (PMID: 21664875, 26123418).

Literature cited by the submitters: PubMed 21664875 (cited by Labcorp Genetics (formerly Invitae), Labcorp); PubMed 26123418 (cited by Labcorp Genetics (formerly Invitae), Labcorp).